The following is an entry in ClinVar:

NM_001999.4(FBN2):c.8330A>G (p.Gln2777Arg)

Gene: FBN2 (fibrillin 2; minus strand). Cytogenetic location: 5q23.3.
Variant type: single nucleotide variant.
Coding change: c.8330A>G on transcript NM_001999.4 (MANE Select); coding-DNA position 8330, A replaced by G.
Protein change: p.Gln2777Arg; replaces glutamine 2777 with arginine.
Molecular consequence: missense variant.
Genome position (GRCh38, 1-based): chr5:128,261,770, T>C on the plus strand (A>G on the coding strand, the complement: FBN2 is on the minus strand). VCF-style: chr5-128261770-T-C. GRCh37 (hg19) VCF-style: chr5-127597462-T-C.
Other names: short protein forms Q2777R.
Identifiers: ClinVar variation 5021624 (VCV005021624.1).
Genomic context (GRCh38, chr5:128,261,770, plus strand): 5'-GGCAACACAGAGTGGGATATACTCACAGCAGTGGGATCAGGTTCATGAATACTTCTCTTC[T>C]GCCTGCTGTCTTTCTTAGAATAGCCGTTGATTTTGCACTCGTAGCATGCTTCTGGGGACA-3'
Protein context (NP_001990.2, residues 2767-2787): INGYSKKDSR[Gln2777Arg]KRSIHEPDPT

ClinVar aggregate classification (germline): Uncertain significance (1 of 4 stars; one submission).

Conditions:
Familial thoracic aortic aneurysm and aortic dissection (TAAD). Also called: Thoracic aortic aneurysms and dissections. Identifiers: Orphanet 91387, MedGen C4707243, MONDO:0019625.

gnomAD v4.1: 2 of 1,614,242 alleles (0.00012%); highest among the groups gnomAD compares: Admixed American, 0.0017%; no homozygotes.

Submission:

Ambry Genetics
Classification: Uncertain significance for Familial thoracic aortic aneurysm and aortic dissection. Last evaluated: 2026-07-09. Review status: criteria provided, single submitter. Criteria: Ambry Variant Classification Scheme 2023. Collection method: clinical testing. Allele origin: germline.
Comment: The p.Q2777R variant (also known as c.8330A>G), located in coding exon 64 of the FBN2 gene, results from an A to G substitution at nucleotide position 8330. The glutamine at codon 2777 is replaced by arginine, an amino acid with highly similar properties. This amino acid position is conserved. In addition, this alteration is predicted to be tolerated by in silico analysis. Based on the available evidence, the clinical significance of this variant remains unclear.